The following is an entry in ClinVar:

NM_004064.5(CDKN1B):c.67C>G (p.His23Asp)

Gene: CDKN1B (cyclin dependent kinase inhibitor 1B; plus strand). Cytogenetic location: 12p13.1.
Variant type: single nucleotide variant.
Coding change: c.67C>G on transcript NM_004064.5 (MANE Select); coding-DNA position 67, C replaced by G.
Protein change: p.His23Asp; replaces histidine 23 with aspartic acid.
Molecular consequence: missense variant.
Genome position (GRCh38, 1-based): chr12:12,717,906, C>G. VCF-style: chr12-12717906-C-G. GRCh37 (hg19) VCF-style: chr12-12870840-C-G.
Other names: short protein forms H23D.
Identifiers: ClinVar variation 4868622 (VCV004868622.1).
Genomic context (GRCh38, chr12:12,717,906, plus strand): 5'-AACGTGCGAGTGTCTAACGGGAGCCCTAGCCTGGAGCGGATGGACGCCAGGCAGGCGGAG[C>G]ACCCCAAGCCCTCGGCCTGCAGGAACCTCTTCGGCCCGGTGGACCACGAAGAGTTAACCC-3'
Protein context (NP_004055.1, residues 13-33): LERMDARQAE[His23Asp]PKPSACRNLF

ClinVar aggregate classification (germline): Uncertain significance (1 of 4 stars; one submission).

Conditions:
Hereditary cancer-predisposing syndrome. Also called: Neoplastic Syndromes, Hereditary; Tumor predisposition; Hereditary Cancer Syndrome; Hereditary neoplastic syndrome. Identifiers: Orphanet 140162, MedGen C0027672, MeSH D009386, MONDO:0015356.

Submission:

Ambry Genetics
Classification: Uncertain significance for Hereditary cancer-predisposing syndrome. Last evaluated: 2026-04-11. Review status: criteria provided, single submitter. Criteria: Ambry Variant Classification Scheme 2023. Collection method: clinical testing. Allele origin: germline.
Comment: The p.H23D variant (also known as c.67C>G), located in coding exon 1 of the CDKN1B gene, results from a C to G substitution at nucleotide position 67. The histidine at codon 23 is replaced by aspartic acid, an amino acid with similar properties. This amino acid position is conserved. In addition, this alteration is predicted to be tolerated by in silico analysis. Based on the available evidence, the clinical significance of this variant remains unclear.